The following is an entry in ClinVar:

NM_006642.5(SDCCAG8):c.675+249C>A

Gene: SDCCAG8 (SHH signaling and ciliogenesis regulator SDCCAG8; plus strand). Cytogenetic location: 1q43.
Variant type: single nucleotide variant.
Coding change: c.675+249C>A on transcript NM_006642.5 (MANE Select); 249 bases into the intron after coding-DNA position 675, C replaced by A.
Molecular consequence: intron variant. On other transcripts: missense variant (1), 5 prime UTR variant (1).
Genome position (GRCh38, 1-based): chr1:243,293,468, C>A. VCF-style: chr1-243293468-C-A. GRCh37 (hg19) VCF-style: chr1-243456770-C-A.
Other names: c.745C>A, p.Pro249Thr (NM_001350248.2); c.-629C>A (NM_001350251.2); c.381+249C>A (NM_001350249.2); c.-438+249C>A (NM_001350246.2); c.-326+249C>A (NM_001350247.2); short protein forms P249T.
Identifiers: ClinVar variation 3051616 (VCV003051616.2), dbSNP rs979104288, ClinGen allele CA40424205.

ClinVar aggregate classification (germline): Uncertain significance (0 of 4 stars; one submission).

Conditions:
SDCCAG8-related disorder. Also called: SDCCAG8-related condition; SDCCAG8-Related Disorders.

Allele frequency attached by ClinVar (database versions not stated): gnomAD 0.00001; TOPMed 0.00004.
gnomAD v4.1: 4 of 615,634 alleles (0.00065%); highest among the groups gnomAD compares: African/African-American, 0.0054%; no homozygotes.

Submission:

PreventionGenetics, part of Exact Sciences
Classification: Uncertain significance for SDCCAG8-related condition. Last evaluated: 2023-10-25. Review status: no assertion criteria provided. Collection method: clinical testing. Allele origin: germline.
Comment: The SDCCAG8 c.745C>A variant is predicted to result in the amino acid substitution p.Pro249Thr. This variant is referred to as c.675+249C>A (intronic) with an alternate transcript NM_006642. To our knowledge, this variant has not been reported in the literature. This variant is reported in 0.011% of alleles in individuals of African descent in gnomAD. At this time, the clinical significance of this variant is uncertain due to the absence of conclusive functional and genetic evidence.